The following is an entry in ClinVar:

ClinVar aggregate classification (germline): Uncertain significance (1 of 4 stars; one submission).

Conditions:
Aortic aneurysm, familial thoracic 4 (AAT4). Also called: AORTIC ANEURYSM/AORTIC DISSECTION AND PATENT DUCTUS ARTERIOSUS. Identifiers: MedGen C1851504, MONDO:0007568, OMIM 132900.

Allele frequency attached by ClinVar (database versions not stated): TOPMed below 0.00001; gnomAD 0.00001.
gnomAD v4.1: 1 of 1,613,828 alleles (0.000062%); highest among the groups gnomAD compares: Non-Finnish European, 0.000085%; no homozygotes.

Submission:

Labcorp Genetics (formerly Invitae), Labcorp
Classification: Uncertain significance for Aortic aneurysm, familial thoracic 4. Last evaluated: 2022-07-12. Review status: criteria provided, single submitter. Criteria: Invitae Variant Classification Sherloc (09022015). Collection method: clinical testing. Allele origin: germline.
Comment: This sequence change replaces glutamic acid, which is acidic and polar, with valine, which is neutral and non-polar, at codon 788 of the MYH11 protein (p.Glu788Val). This variant is not present in population databases (gnomAD no frequency). This variant has not been reported in the literature in individuals affected with MYH11-related conditions. ClinVar contains an entry for this variant (Variation ID: 465716). Algorithms developed to predict the effect of missense changes on protein structure and function (SIFT, PolyPhen-2, Align-GVGD) all suggest that this variant is likely to be disruptive. Algorithms developed to predict the effect of sequence changes on RNA splicing suggest that this variant may create or strengthen a splice site. In summary, the available evidence is currently insufficient to determine the role of this variant in disease. Therefore, it has been classified as a Variant of Uncertain Significance.

NM_002474.3(MYH11):c.2342A>T (p.Glu781Val)

Gene: MYH11 (myosin heavy chain 11; minus strand). Cytogenetic location: 16p13.11.
Variant type: single nucleotide variant.
Coding change: c.2342A>T on transcript NM_002474.3 (MANE Select); coding-DNA position 2342, A replaced by T.
Protein change: p.Glu781Val; replaces glutamic acid 781 with valine.
Molecular consequence: missense variant.
Genome position (GRCh38, 1-based): chr16:15,747,639, T>A on the plus strand (A>T on the coding strand, the complement: MYH11 is on the minus strand). VCF-style: chr16-15747639-T-A. GRCh37 (hg19) VCF-style: chr16-15841496-T-A.
Other names: c.2363A>T, p.Glu788Val (NM_001040113.2, NM_001040114.2); c.2342A>T, p.Glu781Val (NM_022844.3); short protein forms E788V, E781V.
Identifiers: ClinVar variation 465716 (VCV000465716.8), dbSNP rs1314103972, ClinGen allele CA394867315.